The following is an entry in ClinVar:

NM_001318895.3(FHL2):c.521T>C (p.Val174Ala)

Genes: C2orf49 (chromosome 2 open reading frame 49; plus strand), FHL2 (four and a half LIM domains 2; minus strand). Cytogenetic location: 2q12.2.
Variant type: single nucleotide variant.
Coding change: c.521T>C on transcript NM_001318895.3 (MANE Select); coding-DNA position 521, T replaced by C.
Protein change: p.Val174Ala; replaces valine 174 with alanine.
Molecular consequence: missense variant.
Genome position (GRCh38, 1-based): chr2:105,363,452, A>G on the plus strand (T>C on the coding strand, the complement: FHL2 is on the minus strand). VCF-style: chr2-105363452-A-G. GRCh37 (hg19) VCF-style: chr2-105979909-A-G.
Other names: c.521T>C, p.Val174Ala (NM_001039492.3, NM_001318894.1, NM_001318896.2 and 4 more transcripts); c.179T>C, p.Val60Ala (NM_001318897.2, NM_001318898.2); c.197T>C, p.Val66Ala (NM_001318899.2); short protein forms V174A, V60A, V66A.
Identifiers: ClinVar variation 580914 (VCV000580914.9), dbSNP rs144442113, ClinGen allele CA1814711.

ClinVar aggregate classification (germline): Uncertain significance. Review status: criteria provided, multiple submitters, no conflicts (2 of 4 stars). 2 submissions from 2 submitters: Uncertain significance (2). Last evaluated 2025-09-24.

Conditions:
Primary dilated cardiomyopathy (DCM). Also called: Dilated Cardiomyopathy. Identifiers: Orphanet 217604, MedGen C0007193, MeSH D002311, MONDO:0005021, HP:0001644. Inheritance: Various modes of inheritance.

Allele frequency attached by ClinVar (database versions not stated): TOPMed 0.00014.
gnomAD v4.1: 21 of 1,609,438 alleles (0.0013%); highest among the groups gnomAD compares: African/African-American, 0.02%; no homozygotes.

Submissions (2):

Labcorp Genetics (formerly Invitae), Labcorp
Classification: Uncertain significance for Primary dilated cardiomyopathy. Last evaluated: 2025-09-24. Review status: criteria provided, single submitter. Criteria: Invitae Variant Classification Sherloc (09022015). Collection method: clinical testing. Allele origin: germline.
Comment: This sequence change replaces valine, which is neutral and non-polar, with alanine, which is neutral and non-polar, at codon 174 of the FHL2 protein (p.Val174Ala). This variant is present in population databases (rs144442113, gnomAD 0.02%). This variant has not been reported in the literature in individuals affected with FHL2-related conditions. ClinVar contains an entry for this variant (Variation ID: 580914). Invitae Evidence Modeling of protein sequence and biophysical properties (such as structural, functional, and spatial information, amino acid conservation, physicochemical variation, residue mobility, and thermodynamic stability) indicates that this missense variant is not expected to disrupt FHL2 protein function with a negative predictive value of 80%. In summary, the available evidence is currently insufficient to determine the role of this variant in disease. Therefore, it has been classified as a Variant of Uncertain Significance.

Ambry Genetics
Classification: Uncertain significance. Last evaluated: 2025-01-25. Review status: criteria provided, single submitter. Criteria: Ambry Variant Classification Scheme 2023. Collection method: clinical testing. Allele origin: germline.